The following is an entry in ClinVar:

NM_001308093.3(GATA4):c.1099A>T (p.Thr367Ser)

Gene: GATA4 (GATA binding protein 4). Cytogenetic location: 8p23.1.
Variant type: single nucleotide variant.
Coding change: c.1099A>T on transcript NM_001308093.3 (MANE Select); coding-DNA position 1099, A replaced by T.
Protein change: p.Thr367Ser; replaces threonine 367 with serine.
Molecular consequence: missense variant.
Genome position (GRCh38, 1-based): chr8:11,757,033, A>T. VCF-style: chr8-11757033-A-T. GRCh37 (hg19) VCF-style: chr8-11614542-A-T.
Other names: c.478A>T, p.Thr160Ser (NM_001308094.2, NM_001374273.1); c.352A>T, p.Thr118Ser (NM_001374274.1); c.1096A>T, p.Thr366Ser (NM_002052.5); short protein forms T366S, T367S, T160S, T118S.
Identifiers: ClinVar variation 577978 (VCV000577978.9), dbSNP rs771120775, ClinGen allele CA4630826.

ClinVar aggregate classification (germline): Conflicting classifications of pathogenicity. Review status: criteria provided, conflicting classifications (1 of 4 stars). 2 submissions from 2 submitters: Uncertain significance (1); Likely benign (1). Last evaluated 2025-10-21.

Conditions:
Atrioventricular septal defect 4 (AVSD4). Identifiers: MedGen C3280781, MONDO:0013747, OMIM 614430.

Allele frequency attached by ClinVar (database versions not stated): TOPMed 0.00002; ExAC 0.00002; gnomAD 0.00002; gnomAD exomes 0.00002.
gnomAD v4.1: 30 of 1,614,042 alleles (0.0019%); highest among the groups gnomAD compares: Non-Finnish European, 0.0025%; no homozygotes.

Submissions (2):

Labcorp Genetics (formerly Invitae), Labcorp
Classification: Uncertain significance for Atrioventricular septal defect 4. Last evaluated: 2025-10-21. Review status: criteria provided, single submitter. Criteria: Invitae Variant Classification Sherloc (09022015). Collection method: clinical testing. Allele origin: germline.
Comment: This sequence change replaces threonine, which is neutral and polar, with serine, which is neutral and polar, at codon 366 of the GATA4 protein (p.Thr366Ser). This variant is present in population databases (rs771120775, gnomAD 0.004%). This variant has not been reported in the literature in individuals affected with GATA4-related conditions. ClinVar contains an entry for this variant (Variation ID: 577978). Invitae Evidence Modeling of protein sequence and biophysical properties (such as structural, functional, and spatial information, amino acid conservation, physicochemical variation, residue mobility, and thermodynamic stability) indicates that this missense variant is not expected to disrupt GATA4 protein function with a negative predictive value of 95%. In summary, the available evidence is currently insufficient to determine the role of this variant in disease. Therefore, it has been classified as a Variant of Uncertain Significance.

Blueprint Genetics
Classification: Likely benign. Last evaluated: 2024-03-14. Review status: criteria provided, single submitter. Criteria: ACMG Guidelines, 2015. Collection method: clinical testing. Allele origin: germline.